The following is an entry in ClinVar:

NM_001300.6(KLF6):c.747G>A (p.Arg249=)

Gene: KLF6 (KLF transcription factor 6; minus strand). Cytogenetic location: 10p15.2.
Variant type: single nucleotide variant.
Coding change: c.747G>A on transcript NM_001300.6 (MANE Select); coding-DNA position 747, G replaced by A.
Protein change: p.Arg249=; no amino-acid change (arginine 249 retained).
Molecular consequence: synonymous variant. On other transcripts: non-coding transcript variant (1), intron variant (1).
Genome position (GRCh38, 1-based): chr10:3,780,159, C>T on the plus strand (G>A on the coding strand, the complement: KLF6 is on the minus strand). VCF-style: chr10-3780159-C-T. GRCh37 (hg19) VCF-style: chr10-3822351-C-T.
Other names: c.621G>A, p.Arg207= (NM_001160124.2); c.677-569G>A (NM_001160125.2).
Identifiers: ClinVar variation 5041016 (VCV005041016.1).

ClinVar aggregate classification (germline): Likely benign (1 of 4 stars; one submission).

gnomAD v4.1: 69 of 1,614,126 alleles (0.0043%); highest among the groups gnomAD compares: Middle Eastern, 0.082%; 3 homozygotes.

Submission:

CeGaT Center for Human Genetics Tuebingen
Classification: Likely benign. Last evaluated: 2026-09-01. Review status: criteria provided, single submitter. Criteria: CeGaT Center For Human Genetics Tuebingen Variant Classification Criteria Version 2. Collection method: clinical testing. Allele origin: germline. Affected: yes. Observed: 1 variant allele.
Comment: KLF6: BP4, BS2